The following is an entry in ClinVar:

ClinVar aggregate classification (germline): Conflicting classifications of pathogenicity. Review status: criteria provided, conflicting classifications (1 of 4 stars). 2 submissions from 2 submitters: Likely pathogenic (1); Uncertain significance (1). Last evaluated 2022-08-29.

Conditions:
SAMD9-related disorder. Also called: SAMD9-related condition.

Submissions (2):

PreventionGenetics, part of Exact Sciences
Classification: Uncertain significance for SAMD9-related condition. Last evaluated: 2022-08-29. Review status: criteria provided, single submitter. Criteria: ACMG Guidelines, 2015. Collection method: clinical testing. Allele origin: germline.
Comment: The SAMD9 c.2419G>A variant is predicted to result in the amino acid substitution p.Val807Ile. To our knowledge, this variant has not been reported in the literature or in a large population database, indicating this variant is rare. In ClinVar, this variant is interpreted as likely pathogenic. At this time, the clinical significance of this variant is uncertain due to the absence of conclusive functional and genetic evidence.

GeneDx
Classification: Likely pathogenic. Last evaluated: 2017-09-22. Review status: criteria provided, single submitter. Criteria: GeneDx Variant Classification (06012015). Collection method: clinical testing. Allele origin: germline. Affected: yes.
Comment: The V807I variant in the SAMD9 gene has not been reported previously as a pathogenic variant, nor as a benign variant, to our knowledge. The V807I variant is not observed in large population cohorts (Lek et al., 2016). However, the V807I variant is a conservative amino acid substitution, which is not likely to impact secondary protein structure as these residues share similar properties. This substitution occurs at a position that is not conserved, and in silico analysis predicts this variant likely does not alter the protein structure/function. We interpret V807I as a likely pathogenic variant.

NM_017654.4(SAMD9):c.2419G>A (p.Val807Ile)

Gene: SAMD9 (sterile alpha motif domain containing 9; minus strand). Cytogenetic location: 7q21.2.
Variant type: single nucleotide variant.
Coding change: c.2419G>A on transcript NM_017654.4 (MANE Select); coding-DNA position 2419, G replaced by A.
Protein change: p.Val807Ile; replaces valine 807 with isoleucine.
Molecular consequence: missense variant.
Genome position (GRCh38, 1-based): chr7:93,103,679, C>T on the plus strand (G>A on the coding strand, the complement: SAMD9 is on the minus strand). VCF-style: chr7-93103679-C-T. GRCh37 (hg19) VCF-style: chr7-92732992-C-T.
Other names: c.2419G>A, p.Val807Ile (NM_001193307.2); short protein forms V807I.
Identifiers: ClinVar variation 452018 (VCV000452018.3), dbSNP rs1554337067, ClinGen allele CA368190654.
Genomic context (GRCh38, chr7:93,103,679, plus strand): 5'-TTTCATATCGAATGTACTTTTTAGCTATAGCTGTTTGAATAGAGTACTGCAGAAGATAGA[C>T]ATTATCTTGTTCTTCAAAATCATCAACAAGGAGTAGTACAGGTACGTATTCCTGACGGTT-3'
Protein context (NP_060124.2, residues 797-817): LVDDFEEQDN[Val807Ile]YLLQYSIQTA